The following is an entry in ClinVar:

NM_032273.4(TMEM126A):c.545T>C (p.Ile182Thr)

Gene: TMEM126A (transmembrane protein 126A; plus strand). Cytogenetic location: 11q14.1.
Variant type: single nucleotide variant.
Coding change: c.545T>C on transcript NM_032273.4 (MANE Select); coding-DNA position 545, T replaced by C.
Protein change: p.Ile182Thr; replaces isoleucine 182 with threonine.
Molecular consequence: missense variant.
Genome position (GRCh38, 1-based): chr11:85,656,458, T>C. VCF-style: chr11-85656458-T-C. GRCh37 (hg19) VCF-style: chr11-85367502-T-C.
Other names: c.335T>C, p.Ile112Thr (NM_001244735.2); short protein forms I112T, I182T.
Identifiers: ClinVar variation 1948677 (VCV001948677.5), dbSNP rs528947543, ClinGen allele CA6212839.

ClinVar aggregate classification (germline): Uncertain significance (1 of 4 stars; one submission).

Allele frequency attached by ClinVar (database versions not stated): gnomAD exomes 0.00001; TOPMed 0.00001; gnomAD 0.00002; ExAC 0.00003; 1000 Genomes Project 30x 0.00016; 1000 Genomes Project 0.00020.
gnomAD v4.1: 19 of 1,613,254 alleles (0.0012%); highest among the groups gnomAD compares: South Asian, 0.014%; no homozygotes.

Submission:

Labcorp Genetics (formerly Invitae), Labcorp
Classification: Uncertain significance. Last evaluated: 2023-07-21. Review status: criteria provided, single submitter. Criteria: Invitae Variant Classification Sherloc (09022015). Collection method: clinical testing. Allele origin: germline.
Comment: In summary, the available evidence is currently insufficient to determine the role of this variant in disease. Therefore, it has been classified as a Variant of Uncertain Significance. An algorithm developed to predict the effect of missense changes on protein structure and function (PolyPhen-2) suggests that this variant is likely to be tolerated. ClinVar contains an entry for this variant (Variation ID: 1948677). This variant has not been reported in the literature in individuals affected with TMEM126A-related conditions. This variant is present in population databases (rs528947543, gnomAD 0.02%). This sequence change replaces isoleucine, which is neutral and non-polar, with threonine, which is neutral and polar, at codon 182 of the TMEM126A protein (p.Ile182Thr).